The following is an entry in ClinVar:

ClinVar aggregate classification (germline): Uncertain significance. Review status: criteria provided, multiple submitters, no conflicts (2 of 4 stars). 2 submissions from 2 submitters: Uncertain significance (2). Last evaluated 2025-01-26.

Conditions:
Familial adenomatous polyposis 1 (FAP1). Also called: POLYPOSIS, ADENOMATOUS INTESTINAL; FAMILIAL ADENOMATOUS POLYPOSIS 1, ATTENUATED. Identifiers: MedGen C2713442, MONDO:0021056, OMIM 175100. Disease mechanism: loss of function.
Hereditary cancer-predisposing syndrome. Also called: Neoplastic Syndromes, Hereditary; Hereditary Cancer Syndrome; Hereditary neoplastic syndrome; Tumor predisposition. Identifiers: Orphanet 140162, MedGen C0027672, MeSH D009386, MONDO:0015356.

Allele frequency attached by ClinVar (database versions not stated): gnomAD exomes below 0.00001.
gnomAD v4.1: 1 of 1,614,026 alleles (0.000062%); highest among the groups gnomAD compares: Admixed American, 0.0017%; no homozygotes.

Submissions (2):

Labcorp Genetics (formerly Invitae), Labcorp
Classification: Uncertain significance for Familial adenomatous polyposis 1. Last evaluated: 2025-01-26. Review status: criteria provided, single submitter. Criteria: Invitae Variant Classification Sherloc (09022015). Collection method: clinical testing. Allele origin: germline.
Comment: This sequence change replaces valine, which is neutral and non-polar, with alanine, which is neutral and non-polar, at codon 368 of the APC protein (p.Val368Ala). This variant is not present in population databases (gnomAD no frequency). This variant has not been reported in the literature in individuals affected with APC-related conditions. ClinVar contains an entry for this variant (Variation ID: 934700). Invitae Evidence Modeling of protein sequence and biophysical properties (such as structural, functional, and spatial information, amino acid conservation, physicochemical variation, residue mobility, and thermodynamic stability) indicates that this missense variant is not expected to disrupt APC protein function with a negative predictive value of 95%. In summary, the available evidence is currently insufficient to determine the role of this variant in disease. Therefore, it has been classified as a Variant of Uncertain Significance.

Ambry Genetics
Classification: Uncertain significance for Hereditary cancer-predisposing syndrome. Last evaluated: 2021-04-29. Review status: criteria provided, single submitter. Criteria: Ambry Variant Classification Scheme 2023. Collection method: clinical testing. Allele origin: germline.
Comment: The p.V368A variant (also known as c.1103T>C), located in coding exon 9 of the APC gene, results from a T to C substitution at nucleotide position 1103. The valine at codon 368 is replaced by alanine, an amino acid with similar properties. This amino acid position is not well conserved in available vertebrate species. In addition, in silico predictors for this gene do not accurately predict pathogenicity. Since supporting evidence is limited at this time, the clinical significance of this alteration remains unclear.

NM_000038.6(APC):c.1103T>C (p.Val368Ala)

Gene: APC (APC regulator of Wnt signaling pathway; plus strand). Cytogenetic location: 5q22.2.
Variant type: single nucleotide variant.
Coding change: c.1103T>C on transcript NM_000038.6 (MANE Select); coding-DNA position 1103, T replaced by C.
Protein change: p.Val368Ala; replaces valine 368 with alanine.
Molecular consequence: missense variant. On other transcripts: intron variant (4).
Genome position (GRCh38, 1-based): chr5:112,819,135, T>C. VCF-style: chr5-112819135-T-C. GRCh37 (hg19) VCF-style: chr5-112154832-T-C.
Other names: c.1103T>C, p.Val368Ala (NM_001127510.3, NM_001354895.2, NM_001354896.2); c.1049T>C, p.Val350Ala (NM_001127511.3); c.1133T>C, p.Val378Ala (NM_001354897.2); c.1028T>C, p.Val343Ala (NM_001354898.2); c.1019T>C, p.Val340Ala (NM_001354899.2); c.926T>C, p.Val309Ala (NM_001354900.2, NM_001354901.2); c.254T>C, p.Val85Ala (NM_001354906.2); c.964-134T>C (NM_001354902.2); and 3 more; short protein forms V340A, V343A, V350A, V368A, V309A, V378A, V85A.
Identifiers: ClinVar variation 934700 (VCV000934700.13), dbSNP rs1762835497, ClinGen allele CA16023730.